The following is an entry in ClinVar:

NM_004985.5(KRAS):c.180_181delinsAA (p.Gln61Lys)

Gene: KRAS (KRAS proto-oncogene, GTPase; minus strand). Cytogenetic location: 12p12.1.
Variant type: Indel.
Coding change: c.180_181delinsAA on transcript NM_004985.5 (MANE Select); coding-DNA positions 180 to 181, TC replaced by AA.
Protein change: p.Gln61Lys; replaces glutamine 61 with lysine.
Molecular consequence: missense variant.
Genome position (GRCh38, 1-based): chr12:25,227,343-25,227,344, GA replaced by TT on the plus strand (TC replaced by AA on the coding strand, the reverse complement: KRAS is on the minus strand). VCF-style: chr12-25227343-GA-TT. GRCh37 (hg19) VCF-style: chr12-25380277-GA-TT.
Other names: c.180_181delinsAA, p.Gln61Lys (NM_033360.4, NM_001369786.1, NM_001369787.1); short protein forms Q61K.
Identifiers: ClinVar variation 3116215 (VCV003116215.2), dbSNP rs2141510126, ClinGen allele CA645572098.
Genomic context (GRCh38, chr12:25,227,343, plus strand): 5'-CACAAAGAAAGCCCTCCCCAGTCCTCATGTACTGGTCCCTCATTGCACTGTACTCCTCTT[GA>TT]CCTGCTGTGTCGAGAATATCCAAGAGACAGGTTTCTCCATCAATTACTACTTGCTTCCTG-3'
Protein context (NP_004976.2, residues 51-71): CLLDILDTAG[Gln61Lys]EEYSAMRDQY

ClinVar aggregate classification (germline): Conflicting classifications of pathogenicity. Review status: criteria provided, conflicting classifications (1 of 4 stars). 2 submissions from 2 submitters: Pathogenic (1); Uncertain significance (1). Last evaluated 2025-11-11.
ClinVar aggregate classification (somatic clinical impact): Tier I - Strong. Review status: criteria provided, single submitter (1 of 4 stars). 3 submissions from 1 submitter. Last evaluated 2024-10-24.

Conditions:
Autosomal dominant KRAS-related disorders.
Cardiovascular phenotype. Identifiers: MedGen CN230736.
Papillary thyroid carcinoma. Also called: NONMEDULLARY THYROID CARCINOMA, PAPILLARY; Thyroid carcinoma, papillary, somatic; Thyroid gland papillary carcinoma. Identifiers: Orphanet 146, MedGen C0238463, MeSH D000077273, MONDO:0005075, HP:0002895.
Low grade glioma. Identifiers: MedGen C1997217, MONDO:0021637.
Pilocytic astrocytoma. Also called: Pilocytic astrocytoma, somatic. Identifiers: Orphanet 251612, MedGen C0334583, MONDO:0016691, HP:0033680.

Submissions (5):

Variantyx, Inc.
Classification: Pathogenic for Autosomal dominant KRAS-related disorders. Last evaluated: 2025-11-11. Review status: criteria provided, single submitter. Criteria: Variantyx Assertion Criteria 2022. Collection method: clinical testing. Allele origin: de novo. Inheritance: Autosomal dominant inheritance. Affected: yes.
Comment: This is a nonsynonymous variant in the KRAS gene (OMIM: 190070). Pathogenic variants in this gene have been associated with autosomal dominant KRAS-related disorders. This variant lies within a known hotspot for pathogenic variants or a well-established critical functional domain of the KRAS protein (PMID: 29493581) (PM1). Functional analysis has shown that this is a pathogenic gain of function variant (PMID:34117033) (PS3) and multiple computational algorithms predict a deleterious effect for this variant (REVEL score: 0.63) (PP3). This variant is absent from control populations (PM2). Based on the current evidence, this variant is classified as pathogenic for autosomal dominant KRAS-related disorders.

Institute for Genomic Medicine (IGM) Clinical Laboratory, Nationwide Children's Hospital
Classification: Tier I - Strong for Pilocytic astrocytoma. Assertion type: diagnostic. Clinical significance: supports diagnosis. Last evaluated: 2024-10-24. Review status: criteria provided, single submitter. Criteria: AMP/ASCO/CAP Guidelines, 2017. Collection method: clinical testing. Allele origin: somatic. Affected: yes.
Comment: Variant has Tier I (strong) clinical significance as a diagnostic inclusion criterion in pilocytic astrocytoma, based on the following evidence: 1) Documented in one or more cancer databases (e.g., St. Jude Pecan, COSMIC, CIViC, OncoKB). 2) Appears in one or more well-established professional guidelines (e.g., World Health Organization [WHO]; National Comprehensive Cancer Network [NCCN]) as providing diagnostic, prognostic, or therapeutic information. 3) Information in the literature supports potential biologic effect of variant (PMIDs: 2105846, 26037647, 34117033). 4) Diagnostic for a specific tumor type/classification based on well-powered studies with expert-level consensus (Evidence Level B; PMIDs: 30496796, 34525976, 23583981, 19373855).

Institute for Genomic Medicine (IGM) Clinical Laboratory, Nationwide Children's Hospital
Classification: Tier I - Strong for Papillary thyroid carcinoma. Assertion type: diagnostic. Clinical significance: supports diagnosis. Last evaluated: 2024-08-15. Review status: criteria provided, single submitter. Criteria: AMP/ASCO/CAP Guidelines, 2017. Collection method: clinical testing. Allele origin: somatic. Affected: yes.
Comment: Variant has Tier I (strong) clinical significance as a diagnostic inclusion criterion in thyroid gland papillary carcinoma, based on the following evidence: 1) Documented in one or more cancer databases (e.g., St. Jude Pecan, COSMIC, CIViC, OncoKB). 2) Appears in one or more well-established professional guidelines (e.g., World Health Organization [WHO]; National Comprehensive Cancer Network [NCCN]) as providing diagnostic, prognostic, or therapeutic information. 3) Information in the literature supports potential biologic effect of variant (PMID: 2105846). 4) Diagnostic for a specific tumor type/classification based on well-powered studies with expert-level consensus (Evidence Level B; PMIDs: 23429735, 21526955, 31540418, 28476228, 18502330).

Institute for Genomic Medicine (IGM) Clinical Laboratory, Nationwide Children's Hospital
Classification: Tier I - Strong for Low grade glioma. Assertion type: diagnostic. Clinical significance: supports diagnosis. Last evaluated: 2022-09-15. Review status: criteria provided, single submitter. Criteria: AMP/ASCO/CAP Guidelines, 2017. Collection method: clinical testing. Allele origin: somatic. Affected: yes.
Comment: Variant has Tier I (strong) clinical significance as a diagnostic inclusion criterion in low grade glioma, based on the following evidence: 1) Documented in one or more cancer databases (e.g., St. Jude Pecan, COSMIC, CIViC, OncoKB). 2) Appears in one or more well-established professional guidelines (e.g., World Health Organization [WHO]; National Comprehensive Cancer Network [NCCN]) as providing diagnostic, prognostic, or therapeutic information. 3) Information in the literature supports potential biologic effect of variant (PMID: 2105846). 4) Diagnostic for a specific tumor type/classification based on well-powered studies with expert-level consensus (Evidence Level B; PMIDs: 32164789, 34185076, 34525976).

Ambry Genetics
Classification: Uncertain significance for Cardiovascular phenotype. Last evaluated: 2020-05-04. Review status: criteria provided, single submitter. Criteria: Ambry Variant Classification Scheme 2023. Collection method: clinical testing. Allele origin: germline.
Comment: The c.180_181delTCinsAA () alteration, located in exon 3 (coding exon 2) of the KRAS gene, consists of an in-frame substitution of 2 nucleotides from position 180 to 181, resulting in the insertion of <NA> residues. Based on insufficient or conflicting evidence, the clinical significance of this alteration remains unclear.

Literature cited by the submitters: PubMed 29493581 (cited by Variantyx, Inc.); PubMed 34117033 (cited by Variantyx, Inc. and Institute for Genomic Medicine (IGM) Clinical Laboratory, Nationwide Children's Hospital); PubMed 2105846 (cited by Institute for Genomic Medicine (IGM) Clinical Laboratory, Nationwide Children's Hospital); PubMed 26037647 (cited by Institute for Genomic Medicine (IGM) Clinical Laboratory, Nationwide Children's Hospital); PubMed 30496796 (cited by Institute for Genomic Medicine (IGM) Clinical Laboratory, Nationwide Children's Hospital); PubMed 34525976 (cited by Institute for Genomic Medicine (IGM) Clinical Laboratory, Nationwide Children's Hospital); PubMed 23583981 (cited by Institute for Genomic Medicine (IGM) Clinical Laboratory, Nationwide Children's Hospital); PubMed 19373855 (cited by Institute for Genomic Medicine (IGM) Clinical Laboratory, Nationwide Children's Hospital); PubMed 23429735 (cited by Institute for Genomic Medicine (IGM) Clinical Laboratory, Nationwide Children's Hospital); PubMed 21526955 (cited by Institute for Genomic Medicine (IGM) Clinical Laboratory, Nationwide Children's Hospital); PubMed 31540418 (cited by Institute for Genomic Medicine (IGM) Clinical Laboratory, Nationwide Children's Hospital); PubMed 28476228 (cited by Institute for Genomic Medicine (IGM) Clinical Laboratory, Nationwide Children's Hospital); PubMed 18502330 (cited by Institute for Genomic Medicine (IGM) Clinical Laboratory, Nationwide Children's Hospital); PubMed 32164789 (cited by Institute for Genomic Medicine (IGM) Clinical Laboratory, Nationwide Children's Hospital); PubMed 34185076 (cited by Institute for Genomic Medicine (IGM) Clinical Laboratory, Nationwide Children's Hospital).